The following is an entry in ClinVar:

NM_003701.4(TNFSF11):c.470G>A (p.Arg157Lys)

Genes: TNFSF11 (TNF superfamily member 11; plus strand), LOC126861753 (P300/CBP strongly-dependent group 1 enhancer GRCh37_chr13:43174688-43175887; plus strand). Cytogenetic location: 13q14.11.
Variant type: single nucleotide variant.
Coding change: c.470G>A on transcript NM_003701.4 (MANE Select); coding-DNA position 470, G replaced by A.
Protein change: p.Arg157Lys; replaces arginine 157 with lysine.
Molecular consequence: missense variant.
Genome position (GRCh38, 1-based): chr13:42,600,919, G>A. VCF-style: chr13-42600919-G-A. GRCh37 (hg19) VCF-style: chr13-43175055-G-A.
Other names: c.251G>A, p.Arg84Lys (NM_033012.4); short protein forms R157K, R84K.
Identifiers: ClinVar variation 1462118 (VCV001462118.5), dbSNP rs186758177, ClinGen allele CA6967235.

ClinVar aggregate classification (germline): Uncertain significance (1 of 4 stars; one submission).

Allele frequency attached by ClinVar (database versions not stated): TOPMed 0.00003; gnomAD 0.00004 and 0.00005; gnomAD exomes 0.00007; ExAC 0.00012; 1000 Genomes Project 30x 0.00016; 1000 Genomes Project 0.00020.

Submission:

Labcorp Genetics (formerly Invitae), Labcorp
Classification: Uncertain significance. Last evaluated: 2024-01-29. Review status: criteria provided, single submitter. Criteria: Invitae Variant Classification Sherloc (09022015). Collection method: clinical testing. Allele origin: germline.
Comment: This sequence change replaces arginine, which is basic and polar, with lysine, which is basic and polar, at codon 157 of the TNFSF11 protein (p.Arg157Lys). This variant is present in population databases (rs186758177, gnomAD 0.02%). This variant has not been reported in the literature in individuals affected with TNFSF11-related conditions. ClinVar contains an entry for this variant (Variation ID: 1462118). Advanced modeling of protein sequence and biophysical properties (such as structural, functional, and spatial information, amino acid conservation, physicochemical variation, residue mobility, and thermodynamic stability) performed at Invitae indicates that this missense variant is not expected to disrupt TNFSF11 protein function with a negative predictive value of 80%. In summary, the available evidence is currently insufficient to determine the role of this variant in disease. Therefore, it has been classified as a Variant of Uncertain Significance.